The following is an entry in ClinVar:

NM_000465.4(BARD1):c.54C>G (p.Asn18Lys)

Gene: BARD1 (BRCA1 associated RING domain 1; minus strand). Cytogenetic location: 2q35.
Variant type: single nucleotide variant.
Coding change: c.54C>G on transcript NM_000465.4 (MANE Select); coding-DNA position 54, C replaced by G.
Protein change: p.Asn18Lys; replaces asparagine 18 with lysine.
Molecular consequence: missense variant. On other transcripts: non-coding transcript variant (3).
Genome position (GRCh38, 1-based): chr2:214,809,516, G>C on the plus strand (C>G on the coding strand, the complement: BARD1 is on the minus strand). VCF-style: chr2-214809516-G-C. GRCh37 (hg19) VCF-style: chr2-215674240-G-C.
Other names: p.N18K:AAC>AAG; c.54C>G, p.Asn18Lys (NM_001282543.2, NM_001282545.2, NM_001282548.2 and 1 more transcripts); short protein forms N18K.
Identifiers: ClinVar variation 127740 (VCV000127740.46), dbSNP rs587780032, ClinGen allele CA287549.

ClinVar aggregate classification (germline): Conflicting classifications of pathogenicity. Review status: criteria provided, conflicting classifications (1 of 4 stars). 14 submissions from 14 submitters: Uncertain significance (11); Benign (1); Likely benign (1). 1 of the submissions does not count toward it. Last evaluated 2026-09-12.

Conditions:
BARD1-related disorder. Also called: BARD1-related condition.
Hereditary cancer-predisposing syndrome. Also called: Neoplastic Syndromes, Hereditary; Tumor predisposition; Hereditary Cancer Syndrome; Hereditary neoplastic syndrome. Identifiers: Orphanet 140162, MedGen C0027672, MeSH D009386, MONDO:0015356.
Ovarian cancer. Also called: OVARIAN CANCER, SOMATIC. Identifiers: Orphanet 213500, MedGen C1140680, MONDO:0008170, OMIM 167000.
Familial cancer of breast. Also called: hereditary breast carcinoma; Hereditary breast cancer; BREAST CANCER, FAMILIAL. Identifiers: Orphanet 227535, MedGen C0346153, MONDO:0016419, OMIM 114480. Disease mechanism: loss of function.

Allele frequency attached by ClinVar (database versions not stated): gnomAD 0.00001; TOPMed 0.00001.
gnomAD v4.1: 20 of 1,596,242 alleles (0.0013%); highest among the groups gnomAD compares: East Asian, 0.014%; no homozygotes.

Submissions (14):

PreventionGenetics, part of Exact Sciences
Classification: Uncertain significance for BARD1-related condition. Last evaluated: 2026-09-12. Review status: criteria provided, single submitter. Criteria: ACMG Guidelines, 2015. Collection method: clinical testing. Allele origin: germline.
Comment: The BARD1 c.54C>G variant is predicted to result in the amino acid substitution p.Asn18Lys. To our knowledge, this variant has not been reported in the literature. This variant is reported in 0.022% of alleles in individuals of East Asian descent in gnomAD and has conflicting interpretations ranging from uncertain significance to benign in ClinVar (Variation ID: 127740). At this time, the clinical significance of this variant is uncertain due to the absence of conclusive functional and genetic evidence.

Labcorp Genetics (formerly Invitae), Labcorp
Classification: Uncertain significance for Familial cancer of breast. Last evaluated: 2026-02-04. Review status: criteria provided, single submitter. Criteria: Invitae Variant Classification Sherloc (09022015). Collection method: clinical testing. Allele origin: germline.
Comment: This sequence change replaces asparagine, which is neutral and polar, with lysine, which is basic and polar, at codon 18 of the BARD1 protein (p.Asn18Lys). This variant is present in population databases (rs587780032, gnomAD 0.02%). This variant has not been reported in the literature in individuals affected with BARD1-related conditions. ClinVar contains an entry for this variant (Variation ID: 127740). An algorithm developed to predict the effect of missense changes on protein structure and function (PolyPhen-2) suggests that this variant is likely to be disruptive. In summary, the available evidence is currently insufficient to determine the role of this variant in disease. Therefore, it has been classified as a Variant of Uncertain Significance.

Quest Diagnostics Nichols Institute San Juan Capistrano
Classification: Uncertain significance. Last evaluated: 2025-10-08. Review status: criteria provided, single submitter. Criteria: Quest Diagnostics criteria. Collection method: clinical testing. Allele origin: unknown.
Comment: The BARD1 c.54C>G (p.Asn18Lys) variant has been reported in an individual with ovarian cancer (PMID: 38509102 (2024)) and in a reportedly unaffected individual (PMID: 31036035 (2019)) in case-control screening studies. The frequency of this variant in the general population (Genome Aggregation Database) is uninformative in the assessment of its pathogenicity. Analysis of this variant using bioinformatics tools for the prediction of the effect of amino acid changes on protein structure and function yielded predictions that this variant is benign. Based on the available information, we are unable to determine the clinical significance of this variant.

Color Diagnostics, LLC DBA Color Health
Classification: Uncertain significance for Hereditary cancer-predisposing syndrome. Last evaluated: 2025-03-04. Review status: criteria provided, single submitter. Criteria: ACMG Guidelines, 2015. Collection method: clinical testing. Allele origin: germline.
Comment: This missense variant replaces asparagine with lysine at codon 18 of the BARD1 protein. Computational prediction suggests that this variant may not impact protein structure and function. To our knowledge, functional studies have not been reported for this variant. This variant has not been reported in individuals affected with hereditary cancer in the literature but has been reported in an unaffected individual in a breast cancer case-control study (PMID: 31036035). This variant has been identified in 4/246038 chromosomes in the general population by the Genome Aggregation Database (gnomAD). The available evidence is insufficient to determine the role of this variant in disease conclusively. Therefore, this variant is classified as a Variant of Uncertain Significance.

Ambry Genetics
Classification: Uncertain significance for Hereditary cancer-predisposing syndrome. Last evaluated: 2024-12-30. Review status: criteria provided, single submitter. Criteria: Ambry Variant Classification Scheme 2023. Collection method: clinical testing. Allele origin: germline.
Comment: The p.N18K variant (also known as c.54C>G), located in coding exon 1 of the BARD1 gene, results from a C to G substitution at nucleotide position 54. The asparagine at codon 18 is replaced by lysine, an amino acid with similar properties. This amino acid position is well conserved in available vertebrate species. In addition, this alteration is predicted to be tolerated by in silico analysis. Based on the available evidence, the clinical significance of this variant remains unclear.

GeneDx
Classification: Uncertain significance. Last evaluated: 2024-10-22. Review status: criteria provided, single submitter. Criteria: GeneDx Variant Classification Process June 2021. Collection method: clinical testing. Allele origin: germline. Affected: yes.
Comment: Has not been previously published as pathogenic or benign to our knowledge; Not observed at significant frequency in large population cohorts (gnomAD); In silico analysis indicates that this missense variant does not alter protein structure/function; This variant is associated with the following publications: (PMID: 31036035)

Women's Health and Genetics/Laboratory Corporation of America, LabCorp
Classification: Uncertain significance. Last evaluated: 2024-09-03. Review status: criteria provided, single submitter. Criteria: LabCorp Variant Classification Summary - May 2015. Collection method: clinical testing. Allele origin: germline.
Comment: Variant summary: BARD1 c.54C>G (p.Asn18Lys) results in a non-conservative amino acid change located in the Zinc finger, RING-type domain (IPR001841) of the encoded protein sequence. Four of five in-silico tools predict a damaging effect of the variant on protein function. The variant allele was found at a frequency of 1.4e-05 in 214678 control chromosomes. The available data on variant occurrences in the general population are insufficient to allow any conclusion about variant significance. To our knowledge, no occurrence of c.54C>G in individuals affected with Breast Cancer and no experimental evidence demonstrating its impact on protein function have been reported. ClinVar contains an entry for this variant (Variation ID: 127740). Based on the evidence outlined above, the variant was classified as uncertain significance.

Baylor Genetics
Classification: Uncertain significance for Familial cancer of breast. Last evaluated: 2024-03-08. Review status: criteria provided, single submitter. Criteria: ACMG Guidelines, 2015. Collection method: clinical testing. Allele origin: unknown.

Blueprint Genetics
Classification: Uncertain significance. Last evaluated: 2023-06-22. Review status: criteria provided, single submitter. Criteria: ACMG Guidelines, 2015. Collection method: clinical testing. Allele origin: germline.

Myriad Genetics, Inc.
Classification: Likely benign for Familial cancer of breast. Last evaluated: 2023-02-24. Review status: criteria provided, single submitter. Criteria: Myriad Autosomal Dominant, Autosomal Recessive and X-Linked Classification Criteria (2023). Collection method: clinical testing. Allele origin: unknown.
Comment: This variant is considered likely benign. This variant is strongly associated with less severe personal and family histories of cancer, typical for individuals without pathogenic variants in this gene [PMID: 25085752].

Laboratory of Molecular Epidemiology of Birth Defects, West China Second University Hospital, Sichuan University
Classification: Benign for Ovarian cancer. Last evaluated: 2022-01-01. Review status: criteria provided, single submitter. Criteria: ACMG Guidelines, 2015. Collection method: clinical testing. Allele origin: germline. Affected: yes.

Institute for Clinical Genetics, University Hospital TU Dresden, University Hospital TU Dresden
Classification: Uncertain significance. Last evaluated: 2021-11-03. Review status: criteria provided, single submitter. Criteria: ACMG Guidelines, 2015. Collection method: clinical testing. Allele origin: germline.

Fulgent Genetics
Classification: Uncertain significance for Familial cancer of breast. Last evaluated: 2018-10-31. Review status: criteria provided, single submitter. Criteria: ACMG Guidelines, 2015. Collection method: clinical testing. Allele origin: unknown.

Counsyl
Classification: Uncertain significance for Familial cancer of breast. Last evaluated: 2018-05-03. Review status: no assertion criteria provided. Collection method: clinical testing. Allele origin: unknown. Not counted in ClinVar's aggregate classification.

Literature cited by the submitters: PubMed 31036035 (cited by 3 submitters); PubMed 38153744 (cited by Quest Diagnostics Nichols Institute San Juan Capistrano); PubMed 38509102 (cited by Quest Diagnostics Nichols Institute San Juan Capistrano); PubMed 25085752 (cited by Myriad Genetics, Inc.).